The following is an entry in ClinVar:

NM_001372.4(DNAH9):c.11526G>A (p.Trp3842Ter)

Gene: DNAH9 (dynein axonemal heavy chain 9; plus strand). Cytogenetic location: 17p12.
Variant type: single nucleotide variant.
Coding change: c.11526G>A on transcript NM_001372.4 (MANE Select); coding-DNA position 11526, G replaced by A.
Protein change: p.Trp3842Ter; replaces tryptophan 3842 with a stop codon.
Molecular consequence: nonsense.
Genome position (GRCh38, 1-based): chr17:11,902,838, G>A. VCF-style: chr17-11902838-G-A. GRCh37 (hg19) VCF-style: chr17-11806155-G-A.
Other names: c.462G>A, p.Trp154Ter (NM_004662.2); short protein forms W154*, W3842*.
Identifiers: ClinVar variation 2635375 (VCV002635375.1), dbSNP rs1186982981, ClinGen allele CA398202670.

ClinVar aggregate classification (germline): Likely pathogenic (1 of 4 stars; one submission).

Conditions:
DNAH9-related disorder. Also called: DNAH9-related condition.

Allele frequency attached by ClinVar (database versions not stated): gnomAD 0.00001; gnomAD exomes 0.00002.
gnomAD v4.1: 21 of 1,613,898 alleles (0.0013%); highest among the groups gnomAD compares: Non-Finnish European, 0.0017%; no homozygotes.

Submission:

PreventionGenetics, part of Exact Sciences
Classification: Likely pathogenic for DNAH9-related condition. Last evaluated: 2022-11-16. Review status: criteria provided, single submitter. Criteria: ACMG Guidelines, 2015. Collection method: clinical testing. Allele origin: germline.
Comment: The DNAH9 c.11526G>A variant is predicted to result in premature protein termination (p.Trp3842*). To our knowledge, this variant has not been reported in the literature. This variant is reported in 0.0065% of alleles in individuals of European (Non-Finnish) descent in gnomAD. Nonsense variants in DNAH9 are expected to be pathogenic. This variant is interpreted as likely pathogenic.